The following is an entry in ClinVar:

NM_173660.5(DOK7):c.1387G>T (p.Glu463Ter)

Gene: DOK7 (docking protein 7; plus strand). Cytogenetic location: 4p16.3.
Variant type: single nucleotide variant.
Coding change: c.1387G>T on transcript NM_173660.5 (MANE Select); coding-DNA position 1387, G replaced by T.
Protein change: p.Glu463Ter; replaces glutamic acid 463 with a stop codon.
Molecular consequence: nonsense. On other transcripts: 3 prime UTR variant (1).
Genome position (GRCh38, 1-based): chr4:3,493,373, G>T. VCF-style: chr4-3493373-G-T. GRCh37 (hg19) VCF-style: chr4-3495100-G-T.
Other names: c.*608G>T (NM_001164673.2); c.457G>T, p.Glu153Ter (NM_001256896.2); c.1387G>T, p.Glu463Ter (NM_001301071.2); c.955G>T, p.Glu319Ter (NM_001363811.2); short protein forms E153*, E319*, E463*.
Identifiers: ClinVar variation 1069243 (VCV001069243.11), dbSNP rs745941308, ClinGen allele CA356117874.
Genomic context (GRCh38, chr4:3,493,373, plus strand): 5'-CCCTCTGGCTGGCTGGGCACGAGACGGCGGGGCCTGGTGATGGAGGCCCCCCAGGGCAGC[G>T]AGGCCACACTGCCTGGCCCTGCCCCTGGCGAGCCCTGGGAAGCAGGCGGCCCCCACGCGG-3'

ClinVar aggregate classification (germline): Pathogenic (1 of 4 stars; one submission).

Conditions:
Congenital myasthenic syndrome 10. Also called: Myasthenia, limb-girdle, familial. Identifiers: Orphanet 590, MedGen C1850792, MONDO:0009690, OMIM 254300.
Fetal akinesia deformation sequence 1 (FADS1). Also called: Pena-Shokeir syndrome type I; Fetal akinesia sequence. Identifiers: Orphanet 994, MedGen C1276035, MONDO:0100101, OMIM 208150, HP:0001989.

Submission:

Labcorp Genetics (formerly Invitae), Labcorp
Classification: Pathogenic for Congenital myasthenic syndrome 10; Fetal akinesia deformation sequence 1. Last evaluated: 2020-02-17. Review status: criteria provided, single submitter. Criteria: Invitae Variant Classification Sherloc (09022015). Collection method: clinical testing. Allele origin: germline.
Comment: For these reasons, this variant has been classified as Pathogenic. This variant disrupts the C-terminus of the DOK7 protein. Other variant(s) that disrupt this region (p.Pro486Argfs*15) have been determined to be pathogenic (PMID: 29118959). This suggests that variants that disrupt this region of the protein are likely to be causative of disease. This sequence change results in a premature translational stop signal in the DOK7 gene (p.Glu463*). While this is not anticipated to result in nonsense mediated decay, it is expected to disrupt the last 42 amino acids of the DOK7 protein. This variant is not present in population databases (ExAC no frequency). This variant has not been reported in the literature in individuals with DOK7-related conditions.

Literature cited by the submitters: PubMed 29118959.